The following is an entry in ClinVar:

ClinVar aggregate classification (germline): Uncertain significance. Review status: criteria provided, multiple submitters, no conflicts (2 of 4 stars). 2 submissions from 2 submitters: Uncertain significance (2). Last evaluated 2025-04-09.

Conditions:
Cardiovascular phenotype. Identifiers: MedGen CN230736.
Arrhythmogenic right ventricular dysplasia 9 (ARVD9). Also called: Arrhythmogenic Right Ventricular Dysplasia/Cardiomyopathy 9; ARRHYTHMOGENIC RIGHT VENTRICULAR DYSPLASIA, FAMILIAL, 9. Identifiers: MedGen C1836906, MONDO:0012180, OMIM 609040.

Submissions (2):

Molecular Diagnostic Laboratory for Inherited Cardiovascular Disease, Montreal Heart Institute
Classification: Uncertain significance for Cardiovascular phenotype. Last evaluated: 2025-04-09. Review status: criteria provided, single submitter. Criteria: ACMG Guidelines, 2015. Collection method: clinical testing. Allele origin: germline. Affected: yes.

Labcorp Genetics (formerly Invitae), Labcorp
Classification: Uncertain significance for Arrhythmogenic right ventricular dysplasia 9. Last evaluated: 2024-02-11. Review status: criteria provided, single submitter. Criteria: Invitae Variant Classification Sherloc (09022015). Collection method: clinical testing. Allele origin: germline.
Comment: This sequence change falls in intron 9 of the PKP2 gene. It does not directly change the encoded amino acid sequence of the PKP2 protein. It affects a nucleotide within the consensus splice site. This variant is not present in population databases (gnomAD no frequency). This variant has not been reported in the literature in individuals affected with PKP2-related conditions. Variants that disrupt the consensus splice site are a relatively common cause of aberrant splicing (PMID: 17576681, 9536098). Algorithms developed to predict the effect of sequence changes on RNA splicing suggest that this variant is not likely to affect RNA splicing. In summary, the available evidence is currently insufficient to determine the role of this variant in disease. Therefore, it has been classified as a Variant of Uncertain Significance.

Literature cited by the submitters: PubMed 17576681 (cited by Labcorp Genetics (formerly Invitae), Labcorp); PubMed 9536098 (cited by Labcorp Genetics (formerly Invitae), Labcorp).

NM_001005242.3(PKP2):c.1839+6T>G

Gene: PKP2 (plakophilin 2; minus strand). Cytogenetic location: 12p11.21.
Variant type: single nucleotide variant.
Coding change: c.1839+6T>G on transcript NM_001005242.3 (MANE Select); 6 bases into the intron after coding-DNA position 1839, T replaced by G.
Molecular consequence: intron variant.
Genome position (GRCh38, 1-based): chr12:32,822,461, A>C on the plus strand (T>G on the coding strand, the complement: PKP2 is on the minus strand). VCF-style: chr12-32822461-A-C. GRCh37 (hg19) VCF-style: chr12-32975395-A-C.
Other names: c.1839+6T>G (NM_001005242.2, NM_001407155.1, NM_001407161.1); c.1675-932T>G (NM_001407156.1); c.1971+6T>G (NM_004572.4, NM_001407157.1); c.1512+6T>G (NM_001407160.1, NM_001407159.1, NM_001407158.1 and 1 more transcripts).
Identifiers: ClinVar variation 3003791 (VCV003003791.4), dbSNP rs985611212, ClinGen allele CA687448816.
Genomic context (GRCh38, chr12:32,822,461, plus strand): 5'-ATACACAAACACACACTCTCTCTCATTCTCTCCCTTTCTCATTCTTTCAAAAACTTCCCA[A>C]TATACCTCTTTTACTTTCCTGCTTCGACTGCCAAAACATCCAATACTTTTGTTGTTGTCA-3'